The following is an entry in ClinVar:

NM_001004684.1(OR2D3):c.683C>T (p.Ser228Phe)

Gene: OR2D3 (olfactory receptor family 2 subfamily D member 3; plus strand). Cytogenetic location: 11p15.4.
Variant type: single nucleotide variant.
Coding change: c.683C>T on transcript NM_001004684.1 (MANE Select); coding-DNA position 683, C replaced by T.
Protein change: p.Ser228Phe; replaces serine 228 with phenylalanine.
Molecular consequence: missense variant.
Genome position (GRCh38, 1-based): chr11:6,921,684, C>T. VCF-style: chr11-6921684-C-T. GRCh37 (hg19) VCF-style: chr11-6942915-C-T.
Other names: short protein forms S228F.
Identifiers: ClinVar variation 3257585 (VCV003257585.17).

ClinVar aggregate classification (germline): Benign (1 of 4 stars; one submission).

Submission:

CeGaT Center for Human Genetics Tuebingen
Classification: Benign. Last evaluated: 2024-07-01. Review status: criteria provided, single submitter. Criteria: CeGaT Center For Human Genetics Tuebingen Variant Classification Criteria Version 2. Collection method: clinical testing. Allele origin: germline. Affected: yes. Observed: 1 variant allele.
Comment: OR2D3: BP4, BS1, BS2